The following is an entry in ClinVar:

NM_001261826.3(AP3D1):c.1912G>A (p.Asp638Asn)

Gene: AP3D1 (adaptor related protein complex 3 subunit delta 1; minus strand). Cytogenetic location: 19p13.3.
Variant type: single nucleotide variant.
Coding change: c.1912G>A on transcript NM_001261826.3 (MANE Select); coding-DNA position 1912, G replaced by A.
Protein change: p.Asp638Asn; replaces aspartic acid 638 with asparagine.
Molecular consequence: missense variant.
Genome position (GRCh38, 1-based): chr19:2,116,694, C>T on the plus strand (G>A on the coding strand, the complement: AP3D1 is on the minus strand). VCF-style: chr19-2116694-C-T. GRCh37 (hg19) VCF-style: chr19-2116693-C-T.
Other names: c.1912G>A, p.Asp638Asn (NM_001374799.1, NM_003938.8); short protein forms D638N.
Identifiers: ClinVar variation 4811342 (VCV004811342.1).

ClinVar aggregate classification (germline): Uncertain significance (1 of 4 stars; one submission).

gnomAD v4.1: 2 of 1,611,128 alleles (0.00012%); highest among the groups gnomAD compares: Admixed American, 0.0017%; no homozygotes.

Submission:

Labcorp Genetics (formerly Invitae), Labcorp
Classification: Uncertain significance. Last evaluated: 2025-02-20. Review status: criteria provided, single submitter. Criteria: Invitae Variant Classification Sherloc (09022015). Collection method: clinical testing. Allele origin: germline.
Comment: This sequence change replaces aspartic acid, which is acidic and polar, with asparagine, which is neutral and polar, at codon 638 of the AP3D1 protein (p.Asp638Asn). This variant is not present in population databases (gnomAD no frequency). This variant has not been reported in the literature in individuals affected with AP3D1-related conditions. An algorithm developed to predict the effect of missense changes on protein structure and function (PolyPhen-2) suggests that this variant is likely to be disruptive. In summary, the available evidence is currently insufficient to determine the role of this variant in disease. Therefore, it has been classified as a Variant of Uncertain Significance.